The following is an entry in ClinVar:

NM_014321.4(ORC6):c.92C>T (p.Ser31Phe)

Gene: ORC6 (origin recognition complex subunit 6; plus strand). Cytogenetic location: 16q11.2.
Variant type: single nucleotide variant.
Coding change: c.92C>T on transcript NM_014321.4 (MANE Select); coding-DNA position 92, C replaced by T.
Protein change: p.Ser31Phe; replaces serine 31 with phenylalanine.
Molecular consequence: missense variant. On other transcripts: non-coding transcript variant (1).
Genome position (GRCh38, 1-based): chr16:46,691,017, C>T. VCF-style: chr16-46691017-C-T. GRCh37 (hg19) VCF-style: chr16-46724929-C-T.
Other names: c.92C>T (NM_014321.3); short protein forms S31F.
Identifiers: ClinVar variation 1438470 (VCV001438470.7), dbSNP rs1164764682, ClinGen allele CA395817972.
Genomic context (GRCh38, chr16:46,691,017, plus strand): 5'-TAAGTTGTAGCGAACACACTGCCCTTTTAACCAGGAAAGCAGAGGAGTACTTGCGCCTGT[C>T]CCGGGTGAAGTGTGTCGGCCTCTCCGCACGCACCACGGAGACCAGCAGTGCAGTCATGTG-3'
Protein context (NP_055136.1, residues 21-41): LRKAEEYLRL[Ser31Phe]RVKCVGLSAR

ClinVar aggregate classification (germline): Uncertain significance. Review status: criteria provided, multiple submitters, no conflicts (2 of 4 stars). 2 submissions from 2 submitters: Uncertain significance (2). Last evaluated 2023-08-04.

Conditions:
Inborn genetic diseases. Identifiers: MedGen C0950123, MeSH D030342.

Allele frequency attached by ClinVar (database versions not stated): gnomAD exomes below 0.00001.
gnomAD v4.1: 1 of 1,614,230 alleles (0.000062%); highest among the groups gnomAD compares: Non-Finnish European, 0.000085%; no homozygotes.

Submissions (2):

Labcorp Genetics (formerly Invitae), Labcorp
Classification: Uncertain significance. Last evaluated: 2023-08-04. Review status: criteria provided, single submitter. Criteria: Invitae Variant Classification Sherloc (09022015). Collection method: clinical testing. Allele origin: germline.
Comment: This sequence change replaces serine, which is neutral and polar, with phenylalanine, which is neutral and non-polar, at codon 31 of the ORC6 protein (p.Ser31Phe). This variant is not present in population databases (gnomAD no frequency). This variant has not been reported in the literature in individuals affected with ORC6-related conditions. ClinVar contains an entry for this variant (Variation ID: 1438470). Advanced modeling of protein sequence and biophysical properties (such as structural, functional, and spatial information, amino acid conservation, physicochemical variation, residue mobility, and thermodynamic stability) has been performed at Invitae for this missense variant, however the output from this modeling did not meet the statistical confidence thresholds required to predict the impact of this variant on ORC6 protein function. In summary, the available evidence is currently insufficient to determine the role of this variant in disease. Therefore, it has been classified as a Variant of Uncertain Significance.

Ambry Genetics
Classification: Uncertain significance for Inborn genetic diseases. Last evaluated: 2021-09-01. Review status: criteria provided, single submitter. Criteria: Ambry Variant Classification Scheme 2023. Collection method: clinical testing. Allele origin: germline.